The following is an entry in ClinVar:

NM_001039141.3(TRIOBP):c.4483G>T (p.Glu1495Ter)

Gene: TRIOBP (TRIO and F-actin binding protein; plus strand). Cytogenetic location: 22q13.1.
Variant type: single nucleotide variant.
Coding change: c.4483G>T on transcript NM_001039141.3 (MANE Select); coding-DNA position 4483, G replaced by T.
Protein change: p.Glu1495Ter; replaces glutamic acid 1495 with a stop codon.
Molecular consequence: nonsense.
Genome position (GRCh38, 1-based): chr22:37,734,819, G>T. VCF-style: chr22-37734819-G-T. GRCh37 (hg19) VCF-style: chr22-38130826-G-T.
Other names: short protein forms E1495*.
Identifiers: ClinVar variation 1034396 (VCV001034396.1), dbSNP rs1924587856, ClinGen allele CA411493241.
Genomic context (GRCh38, chr22:37,734,819, plus strand): 5'-GGAGCATGGGGGGGCACTTCCAGGGAGTACAAGGAGAGCTGGGGGCAGCCAGAGGCCTGG[G>T]AGGAGAAGCCCACTCATGAGCTCCCCAGAGAACTAGGAAAGAGAAGCCCACTCACGAGCC-3'

ClinVar aggregate classification (germline): Uncertain significance (1 of 4 stars; one submission).

Conditions:
Autosomal recessive nonsyndromic hearing loss 28. Identifiers: Orphanet 90636, MedGen C1853276, MONDO:0012355, OMIM 609823.

Submission:

Baylor Genetics
Classification: Uncertain significance for Autosomal recessive nonsyndromic hearing loss 28. Last evaluated: 2018-04-02. Review status: criteria provided, single submitter. Criteria: ACMG Guidelines, 2015. Collection method: clinical testing. Allele origin: unknown. Affected: yes.
Comment: This variant was determined to be of uncertain significance according to ACMG Guidelines, 2015 [PMID:25741868].